The following is an entry in ClinVar:

ClinVar aggregate classification (germline): Uncertain significance. Review status: criteria provided, multiple submitters, no conflicts (2 of 4 stars). 2 submissions from 2 submitters: Uncertain significance (2). Last evaluated 2025-08-01.

Submissions (2):

CeGaT Center for Human Genetics Tuebingen
Classification: Uncertain significance. Last evaluated: 2025-08-01. Review status: criteria provided, single submitter. Criteria: CeGaT Center For Human Genetics Tuebingen Variant Classification Criteria Version 2. Collection method: clinical testing. Allele origin: germline. Affected: yes. Observed: 1 variant allele.
Comment: COL6A3: PM2

Revvity Omics, Revvity
Classification: Uncertain significance. Last evaluated: 2023-03-28. Review status: criteria provided, single submitter. Criteria: ACMG Guidelines, 2015. Collection method: clinical testing. Allele origin: germline.

NM_004369.4(COL6A3):c.8723C>G (p.Ala2908Gly)

Gene: COL6A3 (collagen type VI alpha 3 chain; minus strand). Cytogenetic location: 2q37.3.
Variant type: single nucleotide variant.
Coding change: c.8723C>G on transcript NM_004369.4 (MANE Select); coding-DNA position 8723, C replaced by G.
Protein change: p.Ala2908Gly; replaces alanine 2908 with glycine.
Molecular consequence: missense variant.
Genome position (GRCh38, 1-based): chr2:237,336,377, G>C on the plus strand (C>G on the coding strand, the complement: COL6A3 is on the minus strand). VCF-style: chr2-237336377-G-C. GRCh37 (hg19) VCF-style: chr2-238245020-G-C.
Other names: c.6902C>G, p.Ala2301Gly (NM_057166.5); c.8105C>G, p.Ala2702Gly (NM_057167.4); short protein forms A2301G, A2702G, A2908G.
Identifiers: ClinVar variation 2688851 (VCV002688851.10), dbSNP rs1273582150, ClinGen allele CA351191769.
Genomic context (GRCh38, chr2:237,336,377, plus strand): 5'-GCCATCTTTGTGGCCACAGGCTTGGCAGCCACAGGTTTCGCAGGGGCCGGCTTTGCAGCG[G>C]CTGGCTTCACAGATGGCTGATTTATAATAGTCACAGGCTTTGTTGTGGTGGTTACAGGCT-3'
Protein context (NP_004360.2, residues 2898-2918): TIINQPSVKP[Ala2908Gly]AAKPAPAKPV